The following is an entry in ClinVar:

ClinVar aggregate classification (germline): Conflicting classifications of pathogenicity. Review status: criteria provided, conflicting classifications (1 of 4 stars). 3 submissions from 3 submitters: Pathogenic (1); Uncertain significance (1). 1 of the submissions does not count toward it. Last evaluated 2023-10-13.

Conditions:
Autosomal dominant nonsyndromic hearing loss 64. Identifiers: Orphanet 90635, MedGen C3279948, MONDO:0013593, OMIM 614152.

Submissions (3):

Labcorp Genetics (formerly Invitae), Labcorp
Classification: Uncertain significance. Last evaluated: 2023-10-13. Review status: criteria provided, single submitter. Criteria: Invitae Variant Classification Sherloc (09022015). Collection method: clinical testing. Allele origin: germline.
Comment: This sequence change replaces serine, which is neutral and polar, with leucine, which is neutral and non-polar, at codon 126 of the DIABLO protein (p.Ser126Leu). This variant is not present in population databases (gnomAD no frequency). This missense change has been observed in individual(s) with deafness (PMID: 21722859). It has also been observed to segregate with disease in related individuals. ClinVar contains an entry for this variant (Variation ID: 30449). An algorithm developed to predict the effect of missense changes on protein structure and function (PolyPhen-2) suggests that this variant is likely to be disruptive. Experimental studies have shown that this missense change affects DIABLO function (PMID: 21722859). In summary, the available evidence is currently insufficient to determine the role of this variant in disease. Therefore, it has been classified as a Variant of Uncertain Significance.

GeneDx
Classification: Pathogenic. Last evaluated: 2020-07-13. Review status: criteria provided, single submitter. Criteria: GeneDx Variant Classification Process June 2021. Collection method: clinical testing. Allele origin: germline. Affected: yes.
Comment: Published functional studies demonstrate a damaging effect of protein degradation (Cheng et al., 2011); In silico analysis supports that this missense variant has a deleterious effect on protein structure/function; Not observed in large population cohorts (Lek et al., 2016); This variant is associated with the following publications: (PMID: 21722859)

OMIM
Classification: Pathogenic for DEAFNESS, AUTOSOMAL DOMINANT 64. Last evaluated: 2011-07-15. Review status: flagged submission. Collection method: literature only. Allele origin: germline. Not counted in ClinVar's aggregate classification.
ClinVar note: Notes: Flagging candidate with reason of insufficient supporting evidence. This gene has been classified as having a limited gene-disease relationship by a ClinGen Expert Panel.
ClinVar note: Reason: Other

Literature cited by the submitters: PubMed 21722859 (cited by Labcorp Genetics (formerly Invitae), Labcorp and OMIM).

NM_001371333.1(DIABLO):c.377C>T (p.Ser126Leu)

Gene: DIABLO (diablo IAP-binding mitochondrial protein; minus strand). Cytogenetic location: 12q24.31.
Variant type: single nucleotide variant.
Coding change: c.377C>T on transcript NM_001371333.1 (MANE Select); coding-DNA position 377, C replaced by T.
Protein change: p.Ser126Leu; replaces serine 126 with leucine.
Molecular consequence: missense variant.
Genome position (GRCh38, 1-based): chr12:122,216,808, G>A on the plus strand (C>T on the coding strand, the complement: DIABLO is on the minus strand). VCF-style: chr12-122216808-G-A. GRCh37 (hg19) VCF-style: chr12-122701355-G-A.
Other names: c.86C>T, p.Ser29Leu (NM_001278302.1); c.158C>T, p.Ser53Leu (NM_001278303.1); c.218C>T, p.Ser73Leu (NM_001278304.2, NM_138930.3); c.245C>T, p.Ser82Leu (NM_001278342.1); c.377C>T, p.Ser126Leu (NM_019887.6); short protein forms S126L, S82L, S29L, S73L, S53L.
Identifiers: ClinVar variation 30449 (VCV000030449.6), dbSNP rs387906893, ClinGen allele CA129213.
Genomic context (GRCh38, chr12:122,216,808, plus strand): 5'-TTTCTGCTTACCTCAGCTCTGGCTCCTATGATCACCTGCCACACTTCATCTTCCTCCTCT[G>A]AATTCATTTTCCCAAGTAAACTTGTATATTGTCGGTAAAGAGAAGTTAAGGTATAAACAG-3'
Protein context (NP_001358262.1, residues 116-136): QYTSLLGKMN[Ser126Leu]EEEDEVWQVI